The following is an entry in ClinVar:

ClinVar aggregate classification (germline): Likely benign (1 of 4 stars; one submission).

Conditions:
Hypomyelination and Congenital Cataract (HLD5). Also called: hypomyelinating leukodystrophy 5. Identifiers: Orphanet 85163, MedGen C1864663, MONDO:0012514, OMIM 610532.

Allele frequency attached by ClinVar (database versions not stated): gnomAD 0.00287 and 0.00307; TOPMed 0.00341; 1000 Genomes Project 0.00359; 1000 Genomes Project 30x 0.00359.

Submission:

Illumina Laboratory Services, Illumina
Classification: Likely benign for Hypomyelination and Congenital Cataract. Last evaluated: 2018-01-12. Review status: criteria provided, single submitter. Criteria: ICSL Variant Classification Criteria 13 December 2019. Collection method: clinical testing. Allele origin: germline.
Comment: This variant was observed in the ICSL laboratory as part of a predisposition screen in an ostensibly healthy population. It had not been previously curated by ICSL or reported in the Human Gene Mutation Database (HGMD: prior to June 1st, 2018), and was therefore a candidate for classification through an automated scoring system. Utilizing variant allele frequency, disease prevalence and penetrance estimates, and inheritance mode, an automated score was calculated to assess if this variant is too frequent to cause the disease. Based on the score and internal cut-off values, a variant classified as likely benign is not then subjected to further curation. The score for this variant resulted in a classification of likely benign for this disease.

NM_032581.4(HYCC1):c.*583A>G

Gene: HYCC1 (hyccin PI4KA lipid kinase complex subunit 1; minus strand). Cytogenetic location: 7p15.3.
Variant type: single nucleotide variant.
Coding change: c.*583A>G on transcript NM_032581.4 (MANE Select); 583 bases downstream of the stop codon, A replaced by G.
Molecular consequence: 3 prime UTR variant.
Genome position (GRCh38, 1-based): chr7:22,945,006, T>C on the plus strand (A>G on the coding strand, the complement: HYCC1 is on the minus strand). VCF-style: chr7-22945006-T-C. GRCh37 (hg19) VCF-style: chr7-22984625-T-C.
Other names: c.*1185A>G (NM_001363466.2); c.*1143A>G (NM_001363467.2).
Identifiers: ClinVar variation 910912 (VCV000910912.4), dbSNP rs531843289, ClinGen allele CA155209299.